The following is an entry in ClinVar:

ClinVar aggregate classification (germline): Pathogenic (1 of 4 stars; one submission).

Submission:

Labcorp Genetics (formerly Invitae), Labcorp
Classification: Pathogenic. Last evaluated: 2021-11-04. Review status: criteria provided, single submitter. Criteria: Invitae Variant Classification Sherloc (09022015). Collection method: clinical testing. Allele origin: germline.
Comment: This sequence change creates a premature translational stop signal (p.Cys85*) in the PHEX gene. It is expected to result in an absent or disrupted protein product. Loss-of-function variants in PHEX are known to be pathogenic (PMID: 9097956, 9106524, 19219621). This variant is not present in population databases (gnomAD no frequency). This variant has not been reported in the literature in individuals affected with PHEX-related conditions. For these reasons, this variant has been classified as Pathogenic.

Literature cited by the submitters: PubMed 9097956; PubMed 9106524; PubMed 19219621.

NM_000444.6(PHEX):c.255T>A (p.Cys85Ter)

Gene: PHEX (phosphate regulating endopeptidase X-linked; plus strand). Cytogenetic location: Xp22.11.
Variant type: single nucleotide variant.
Coding change: c.255T>A on transcript NM_000444.6 (MANE Select); coding-DNA position 255, T replaced by A.
Protein change: p.Cys85Ter; replaces cysteine 85 with a stop codon.
Molecular consequence: nonsense.
Genome position (GRCh38, 1-based): chrX:22,047,117, T>A. VCF-style: chrX-22047117-T-A. GRCh37 (hg19) VCF-style: chrX-22065235-T-A.
Other names: c.255T>A, p.Cys85Ter (NM_001282754.2); short protein forms C85*.
Identifiers: ClinVar variation 1452676 (VCV001452676.6), dbSNP rs2146987767, ClinGen allele CA412567634.